The following is an entry in ClinVar:

NM_000444.6(PHEX):c.732+4_732+5insCA

Gene: PHEX (phosphate regulating endopeptidase X-linked; plus strand). Cytogenetic location: Xp22.11.
Variant type: Insertion.
Coding change: c.732+4_732+5insCA on transcript NM_000444.6 (MANE Select); bases 4 to 5 of the intron after coding-DNA position 732, CA inserted.
Molecular consequence: intron variant.
Genome position: GRCh38 VCF-style: chrX-22090500-A-AAC. GRCh37 (hg19) VCF-style: chrX-22108618-A-AAC.
Other names: c.732+4_732+5insCA (NM_001282754.2).
Identifiers: ClinVar variation 1004764 (VCV001004764.8), dbSNP rs1929833587, ClinGen allele CA2419166423.

ClinVar aggregate classification (germline): Uncertain significance (1 of 4 stars; one submission).

Submission:

Labcorp Genetics (formerly Invitae), Labcorp
Classification: Uncertain significance. Last evaluated: 2021-08-28. Review status: criteria provided, single submitter. Criteria: Invitae Variant Classification Sherloc (09022015). Collection method: clinical testing. Allele origin: germline.
Comment: In summary, the available evidence is currently insufficient to determine the role of this variant in disease. Therefore, it has been classified as a Variant of Uncertain Significance. Nucleotide substitutions within the consensus splice site are a relatively common cause of aberrant splicing (PMID: 17576681, 9536098). Algorithms developed to predict the effect of sequence changes on RNA splicing suggest that this variant may disrupt the consensus splice site, but this prediction has not been confirmed by published transcriptional studies. This variant has been observed in individual(s) with hypophosphatemia (Invitae). This variant is not present in population databases (ExAC no frequency). This sequence change falls in intron 6 of the PHEX gene. It does not directly change the encoded amino acid sequence of the PHEX protein, but it affects a nucleotide within the consensus splice site of the intron.

Literature cited by the submitters: PubMed 17576681; PubMed 9536098.